The following is an entry in ClinVar:

NM_014967.5(FAN1):c.828G>A (p.Lys276=)

Gene: FAN1 (FANCD2 and FANCI associated nuclease 1; plus strand). Cytogenetic location: 15q13.3.
Variant type: single nucleotide variant.
Coding change: c.828G>A on transcript NM_014967.5 (MANE Select); coding-DNA position 828, G replaced by A.
Protein change: p.Lys276=; no amino-acid change (lysine 276 retained).
Molecular consequence: synonymous variant.
Genome position (GRCh38, 1-based): chr15:30,905,491, G>A. VCF-style: chr15-30905491-G-A. GRCh37 (hg19) VCF-style: chr15-31197694-G-A.
Other names: c.828G>A (NM_014967.4); c.828G>A, p.Lys276= (NM_001146094.2, NM_001146095.1, NM_001146096.2).
Identifiers: ClinVar variation 2969271 (VCV002969271.5), dbSNP rs1393460263, ClinGen allele CA489643227.

ClinVar aggregate classification (germline): Likely benign. Review status: criteria provided, single submitter (1 of 4 stars). 2 submissions from 2 submitters: Likely benign (1). 1 of the submissions does not count toward it. Last evaluated 2025-04-17.

Conditions:
FAN1-related disorder. Also called: FAN1-related condition.

Allele frequency attached by ClinVar (database versions not stated): gnomAD exomes 0.00001.
gnomAD v4.1: 3 of 1,614,096 alleles (0.00019%); highest among the groups gnomAD compares: Admixed American, 0.0017%; no homozygotes.

Submissions (2):

Labcorp Genetics (formerly Invitae), Labcorp
Classification: Likely benign. Last evaluated: 2025-04-17. Review status: criteria provided, single submitter. Criteria: Invitae Variant Classification Sherloc (09022015). Collection method: clinical testing. Allele origin: germline.

PreventionGenetics, part of Exact Sciences
Classification: Likely benign for FAN1-related condition. Last evaluated: 2023-09-28. Review status: no assertion criteria provided. Collection method: clinical testing. Allele origin: germline. Not counted in ClinVar's aggregate classification.
Comment: This variant is classified as likely benign based on ACMG/AMP sequence variant interpretation guidelines (Richards et al. 2015 PMID: 25741868, with internal and published modifications).